The following is an entry in ClinVar:

NM_005050.4(ABCD4):c.761A>G (p.Gln254Arg)

Gene: ABCD4 (ATP binding cassette subfamily D member 4; minus strand). Cytogenetic location: 14q24.3.
Variant type: single nucleotide variant.
Coding change: c.761A>G on transcript NM_005050.4 (MANE Select); coding-DNA position 761, A replaced by G.
Protein change: p.Gln254Arg; replaces glutamine 254 with arginine.
Molecular consequence: missense variant. On other transcripts: non-coding transcript variant (6), intron variant (9).
Genome position (GRCh38, 1-based): chr14:74,293,207, T>C on the plus strand (A>G on the coding strand, the complement: ABCD4 is on the minus strand). VCF-style: chr14-74293207-T-C. GRCh37 (hg19) VCF-style: chr14-74759910-T-C.
Other names: c.635A>G, p.Gln212Arg (NM_001353591.2, NM_001353592.2); c.500A>G, p.Gln167Arg (NM_001353593.2); c.449A>G, p.Gln150Arg (NM_001353594.2); c.347A>G, p.Gln116Arg (NM_001353595.2, NM_001353596.2); c.296A>G, p.Gln99Arg (NM_001353597.2); c.284A>G, p.Gln95Arg (NM_001353598.2, NM_001353599.2, NM_001353600.2 and 2 more transcripts); c.632A>G, p.Gln211Arg (NM_020323.1); c.761A>G, p.Gln254Arg (NM_020325.3); and 1 more; short protein forms Q211R, Q167R, Q212R, Q95R, Q116R, Q150R, Q254R, Q99R.
Identifiers: ClinVar variation 2722879 (VCV002722879.3), dbSNP rs779676647, ClinGen allele CA7267066.

ClinVar aggregate classification (germline): Uncertain significance (1 of 4 stars; one submission).

Conditions:
Methylmalonic acidemia with homocystinuria, type cblJ (MAHCJ). Also called: METHYLMALONIC ACIDURIA AND HOMOCYSTINURIA, cblJ TYPE. Identifiers: Orphanet 369955, MedGen C3553915, MONDO:0013925, OMIM 614857.

Allele frequency attached by ClinVar (database versions not stated): TOPMed 0.00004; ExAC 0.00002; gnomAD 0.00003; gnomAD exomes 0.00004.
gnomAD v4.1: 58 of 1,614,076 alleles (0.0036%); highest among the groups gnomAD compares: Middle Eastern, 0.016%; no homozygotes.

Submission:

Labcorp Genetics (formerly Invitae), Labcorp
Classification: Uncertain significance for Methylmalonic acidemia with homocystinuria, type cblJ. Last evaluated: 2025-05-19. Review status: criteria provided, single submitter. Criteria: Invitae Variant Classification Sherloc (09022015). Collection method: clinical testing. Allele origin: germline.
Comment: This sequence change replaces glutamine, which is neutral and polar, with arginine, which is basic and polar, at codon 254 of the ABCD4 protein (p.Gln254Arg). This variant is present in population databases (rs779676647, gnomAD 0.01%). This variant has not been reported in the literature in individuals affected with ABCD4-related conditions. ClinVar contains an entry for this variant (Variation ID: 2722879). Invitae Evidence Modeling of protein sequence and biophysical properties (such as structural, functional, and spatial information, amino acid conservation, physicochemical variation, residue mobility, and thermodynamic stability) indicates that this missense variant is not expected to disrupt ABCD4 protein function with a negative predictive value of 95%. In summary, the available evidence is currently insufficient to determine the role of this variant in disease. Therefore, it has been classified as a Variant of Uncertain Significance.